The following is an entry in ClinVar:

ClinVar aggregate classification (germline): Uncertain significance. Review status: criteria provided, multiple submitters, no conflicts (2 of 4 stars). 2 submissions from 2 submitters: Uncertain significance (2). Last evaluated 2023-01-27.

Conditions:
Hereditary cancer-predisposing syndrome. Also called: Neoplastic Syndromes, Hereditary; Tumor predisposition; Hereditary neoplastic syndrome; Hereditary Cancer Syndrome. Identifiers: Orphanet 140162, MedGen C0027672, MeSH D009386, MONDO:0015356.
Familial adenomatous polyposis 1 (FAP1). Also called: POLYPOSIS, ADENOMATOUS INTESTINAL; FAMILIAL ADENOMATOUS POLYPOSIS 1, ATTENUATED. Identifiers: MedGen C2713442, MONDO:0021056, OMIM 175100. Disease mechanism: loss of function.

Submissions (2):

Labcorp Genetics (formerly Invitae), Labcorp
Classification: Uncertain significance for Familial adenomatous polyposis 1. Last evaluated: 2023-01-27. Review status: criteria provided, single submitter. Criteria: Invitae Variant Classification Sherloc (09022015). Collection method: clinical testing. Allele origin: germline.
Comment: In summary, the available evidence is currently insufficient to determine the role of this variant in disease. Therefore, it has been classified as a Variant of Uncertain Significance. Advanced modeling of protein sequence and biophysical properties (such as structural, functional, and spatial information, amino acid conservation, physicochemical variation, residue mobility, and thermodynamic stability) performed at Invitae indicates that this missense variant is not expected to disrupt APC protein function. ClinVar contains an entry for this variant (Variation ID: 824558). This variant has not been reported in the literature in individuals affected with APC-related conditions. This variant is not present in population databases (gnomAD no frequency). This sequence change replaces serine, which is neutral and polar, with phenylalanine, which is neutral and non-polar, at codon 1355 of the APC protein (p.Ser1355Phe).

Ambry Genetics
Classification: Uncertain significance for Hereditary cancer-predisposing syndrome. Last evaluated: 2022-03-10. Review status: criteria provided, single submitter. Criteria: Ambry Variant Classification Scheme 2023. Collection method: clinical testing. Allele origin: germline.
Comment: The p.S1355F variant (also known as c.4064C>T), located in coding exon 15 of the APC gene, results from a C to T substitution at nucleotide position 4064. The serine at codon 1355 is replaced by phenylalanine, an amino acid with highly dissimilar properties. This amino acid position is well conserved in available vertebrate species. In addition, in silico predictors for this gene do not accurately predict pathogenicity. Since supporting evidence is limited at this time, the clinical significance of this alteration remains unclear.

NM_000038.6(APC):c.4064C>T (p.Ser1355Phe)

Gene: APC (APC regulator of Wnt signaling pathway; plus strand). Cytogenetic location: 5q22.2.
Variant type: single nucleotide variant.
Coding change: c.4064C>T on transcript NM_000038.6 (MANE Select); coding-DNA position 4064, C replaced by T.
Protein change: p.Ser1355Phe; replaces serine 1355 with phenylalanine.
Molecular consequence: missense variant.
Genome position (GRCh38, 1-based): chr5:112,839,658, C>T. VCF-style: chr5-112839658-C-T. GRCh37 (hg19) VCF-style: chr5-112175355-C-T.
Other names: c.4064C>T, p.Ser1355Phe (NM_001127510.3, NM_001354895.2); c.4010C>T, p.Ser1337Phe (NM_001127511.3); c.4118C>T, p.Ser1373Phe (NM_001354896.2); c.4094C>T, p.Ser1365Phe (NM_001354897.2); c.3989C>T, p.Ser1330Phe (NM_001354898.2); c.3980C>T, p.Ser1327Phe (NM_001354899.2); c.3941C>T, p.Ser1314Phe (NM_001354900.2); c.3887C>T, p.Ser1296Phe (NM_001354901.2); and 5 more; short protein forms S1254F, S1296F, S1327F, S1195F, S1229F, S1264F, S1314F, S1373F.
Identifiers: ClinVar variation 824558 (VCV000824558.10), dbSNP rs1580643526, ClinGen allele CA16030240.